The following is an entry in ClinVar:

NM_016341.4(PLCE1):c.810_811inv (p.Glu271Lys)

Gene: PLCE1 (phospholipase C epsilon 1; plus strand). Cytogenetic location: 10q23.33.
Variant type: Inversion.
Coding change: c.810_811inv on transcript NM_016341.4 (MANE Select).
Protein change: p.Glu271Lys; replaces glutamic acid 271 with lysine.
Molecular consequence: missense variant.
Genome position: GRCh38 VCF-style: chr10-94031856-TG-CA. GRCh37 (hg19) VCF-style: chr10-95791613-TG-CA.
Other names: c.810_811inv, p.Glu271Lys (NM_001288989.2); short protein forms E271K.
Identifiers: ClinVar variation 2181865 (VCV002181865.4), ClinGen allele CA2580082520.

ClinVar aggregate classification (germline): Uncertain significance (1 of 4 stars; one submission).

Submission:

Labcorp Genetics (formerly Invitae), Labcorp
Classification: Uncertain significance. Last evaluated: 2022-01-19. Review status: criteria provided, single submitter. Criteria: Invitae Variant Classification Sherloc (09022015). Collection method: clinical testing. Allele origin: germline.
Comment: In summary, the available evidence is currently insufficient to determine the role of this variant in disease. Therefore, it has been classified as a Variant of Uncertain Significance. Experimental studies and prediction algorithms are not available or were not evaluated, and the functional significance of this variant is currently unknown. This variant has not been reported in the literature in individuals affected with PLCE1-related conditions. Information on the frequency of this variant in the gnomAD database is not available, as this variant may be reported differently in the database. This sequence change replaces glutamic acid, which is acidic and polar, with lysine, which is basic and polar, at codon 271 of the PLCE1 protein (p.Glu271Lys).